The following is an entry in ClinVar:

NM_138694.4(PKHD1):c.10524CTT[1] (p.Phe3509del)

Gene: PKHD1 (PKHD1 ciliary IPT domain containing fibrocystin/polyductin; minus strand). Cytogenetic location: 6p12.3.
Variant type: Microsatellite.
Coding change: c.10524CTT[1] on transcript NM_138694.4 (MANE Select); one copy of the 3-base unit CTT starting at c.10524; the reference has two copies in a row; one copy, 3 bases deleted.
Protein change: p.Phe3509del; deletes phenylalanine 3509.
Molecular consequence: inframe deletion.
Genome position (GRCh38, 1-based): chr6:51,659,597-51,659,599, AAG deleted on the plus strand (CTT on the coding strand, the reverse complement: PKHD1 is on the minus strand); deleting any 3 consecutive bases within chr6:51,659,597-51,659,603 gives the same sequence; the position shown is the placement nearest the transcript's 3' end. VCF-style (leftmost placement, unchanged base first): chr6-51659596-TAAG-T. GRCh37 (hg19) VCF-style: chr6-51524394-TAAG-T.
Other names: short protein forms F3509del.
Identifiers: ClinVar variation 552217 (VCV000552217.3), dbSNP rs1345766794, ClinGen allele CA658821701.

ClinVar aggregate classification (germline): Likely pathogenic. Review status: criteria provided, single submitter (1 of 4 stars). 2 submissions from 2 submitters: Likely pathogenic (1). 1 of the submissions does not count toward it. Last evaluated 2025-07-24.

Conditions:
PKHD1-related disorder. Also called: PKHD1-related condition.
Polycystic kidney disease 4 (PKD4). Also called: Autosomal Recessive Polycystic Kidney Disease – PKHD1; PKD3; POLYCYSTIC KIDNEY DISEASE 4 WITH OR WITHOUT POLYCYSTIC LIVER DISEASE; POLYCYSTIC KIDNEY AND HEPATIC DISEASE 1; POLYCYSTIC KIDNEY DISEASE, INFANTILE, TYPE I. Identifiers: MedGen C4540575, MONDO:0033004, OMIM 263200.

Submissions (2):

PreventionGenetics, part of Exact Sciences
Classification: Likely pathogenic for PKHD1-related condition. Last evaluated: 2025-07-24. Review status: criteria provided, single submitter. Criteria: ACMG Guidelines, 2015. Collection method: clinical testing. Allele origin: germline.
Comment: The PKHD1 c.10527_10529delCTT variant is predicted to result in an in-frame deletion (p.Phe3509del). This variant has been reported with another pathogenic PKHD1 variant in individuals with autosomal recessive polycystic kidney disease (ARPKD) (Supplementary Table S3, Burgmaier et al. 2021. PubMed ID: 33940108; Internal Data, PreventionGenetics). This variant has not been reported in a large population database (gnomAD), indicating this variant is rare. This variant is interpreted as likely pathogenic.

Counsyl
Classification: Uncertain significance for Polycystic kidney disease 4. Last evaluated: 2017-05-30. Review status: no assertion criteria provided. Collection method: clinical testing. Allele origin: unknown. Not counted in ClinVar's aggregate classification.